The following is an entry in ClinVar:

NM_002249.6(KCNN3):c.200AGC[11] (p.Gln78_Gln80del)

Gene: KCNN3 (potassium calcium-activated channel subfamily N member 3; minus strand). Cytogenetic location: 1q21.3.
Variant type: Microsatellite.
Coding change: c.200AGC[11] on transcript NM_002249.6 (MANE Select); 11 copies in a row of the 3-base unit AGC starting at c.200; the reference has 14 copies in a row; three copies, 9 bases deleted.
Protein change: p.Gln78_Gln80del.
Molecular consequence: inframe deletion.
Genome position (GRCh38, 1-based): chr1:154,869,724-154,869,732, GCTGCTGCT deleted on the plus strand (AGCAGCAGC on the coding strand, the reverse complement: KCNN3 is on the minus strand); deleting any 9 consecutive bases within chr1:154,869,724-154,869,766 gives the same sequence; the position shown is the placement nearest the transcript's 3' end. VCF-style (leftmost placement, unchanged base first): chr1-154869723-GGCTGCTGCT-G. GRCh37 (hg19) VCF-style: chr1-154842199-GGCTGCTGCT-G.
Other names: c.200AGC[11], p.Gln78_Gln80del (NM_001204087.2).
Identifiers: ClinVar variation 1685424 (VCV001685424.26), dbSNP rs3831942, ClinGen allele CA889598069.

ClinVar aggregate classification (germline): Benign/Likely benign. Review status: criteria provided, multiple submitters, no conflicts (2 of 4 stars). 3 submissions from 3 submitters: Benign (2); Likely benign (1). Last evaluated 2026-05-01.

Submissions (3):

CeGaT Center for Human Genetics Tuebingen
Classification: Likely benign. Last evaluated: 2026-05-01. Review status: criteria provided, single submitter. Criteria: CeGaT Center For Human Genetics Tuebingen Variant Classification Criteria Version 2. Collection method: clinical testing. Allele origin: germline. Affected: yes. Observed: 11 variant alleles.
Comment: KCNN3: PM4, BS1, BS2

Laboratory of Genetics, Children's Clinical University Hospital Latvia
Classification: Benign. Last evaluated: 2025-02-16. Review status: criteria provided, single submitter. Criteria: ACMG Guidelines, 2015. Collection method: clinical testing. Allele origin: germline. Affected: yes.

Mendelics
Classification: Benign. Last evaluated: 2022-05-04. Review status: criteria provided, single submitter. Criteria: Mendelics Assertion Criteria 2019. Collection method: clinical testing. Allele origin: germline.